The following is an entry in ClinVar:

ClinVar aggregate classification (germline): Uncertain significance (1 of 4 stars; one submission).

Conditions:
Progressive sclerosing poliodystrophy (MTDPS4A). Also called: Alpers-Huttenlocher Syndrome; Mitochondrial DNA Depletion Syndrome 4A; ALPERS PROGRESSIVE INFANTILE POLIODYSTROPHY; NEURONAL DEGENERATION OF CHILDHOOD WITH LIVER DISEASE, PROGRESSIVE; Alpers-Huttenlocher Syndrome (AHS); Alpers Syndrome. Identifiers: Orphanet 726, MedGen C0205710, MONDO:0008758, OMIM 203700.

Submission:

Labcorp Genetics (formerly Invitae), Labcorp
Classification: Uncertain significance for Progressive sclerosing poliodystrophy. Last evaluated: 2023-11-27. Review status: criteria provided, single submitter. Criteria: Invitae Variant Classification Sherloc (09022015). Collection method: clinical testing. Allele origin: germline.
Comment: This variant, c.1504_1506del, results in the deletion of 1 amino acid(s) of the POLG protein (p.Lys502del), but otherwise preserves the integrity of the reading frame. This variant is not present in population databases (gnomAD no frequency). This variant has not been reported in the literature in individuals affected with POLG-related conditions. Experimental studies and prediction algorithms are not available or were not evaluated, and the functional significance of this variant is currently unknown. Algorithms developed to predict the effect of sequence changes on RNA splicing suggest that this variant may create or strengthen a splice site. In summary, the available evidence is currently insufficient to determine the role of this variant in disease. Therefore, it has been classified as a Variant of Uncertain Significance.

NM_002693.3(POLG):c.1501AAG[1] (p.Lys502del)

Gene: POLG (DNA polymerase gamma, catalytic subunit; minus strand). Cytogenetic location: 15q26.1.
Variant type: Microsatellite.
Coding change: c.1501AAG[1] on transcript NM_002693.3 (MANE Select); one copy of the 3-base unit AAG starting at c.1501; the reference has two copies in a row; one copy, 3 bases deleted.
Protein change: p.Lys502del; deletes lysine 502.
Molecular consequence: inframe deletion.
Genome position (GRCh38, 1-based): chr15:89,326,991-89,326,993, CTT deleted on the plus strand (AAG on the coding strand, the reverse complement: POLG is on the minus strand); deleting any 3 consecutive bases within chr15:89,326,991-89,326,996 gives the same sequence; the position shown is the placement nearest the transcript's 3' end. VCF-style (leftmost placement, unchanged base first): chr15-89326990-CCTT-C. GRCh37 (hg19) VCF-style: chr15-89870221-CCTT-C.
Other names: c.1501AAG[1], p.Lys502del (NM_001126131.2); short protein forms K502del.
Identifiers: ClinVar variation 1916406 (VCV001916406.5), dbSNP rs2509254933, ClinGen allele CA2575828838.